The following is an entry in ClinVar:

ClinVar aggregate classification (germline): Conflicting classifications of pathogenicity. Review status: criteria provided, conflicting classifications (1 of 4 stars). 6 submissions from 6 submitters: Uncertain significance (2); Benign (2); Likely benign (1). 1 of the submissions does not count toward it. Last evaluated 2025-12-25.

Conditions:
Congenital afibrinogenemia. Identifiers: Orphanet 335, Orphanet 98880, MedGen C2584774, MONDO:0008737, OMIM 202400.
Deep venous thrombosis. Also called: Deep vein thrombosis. Identifiers: MedGen C0149871, MeSH D020246, HP:0002625.
FGB-related disorder. Also called: FGB-related condition.

Allele frequency attached by ClinVar (database versions not stated): ESP Exome Variant Server 0.00023; gnomAD 0.00038; TOPMed 0.00065; 1000 Genomes Project 0.00220; 1000 Genomes Project 30x 0.00234.

Submissions (6):

Labcorp Genetics (formerly Invitae), Labcorp
Classification: Benign. Last evaluated: 2025-12-25. Review status: criteria provided, single submitter. Criteria: Invitae Variant Classification Sherloc (09022015). Collection method: clinical testing. Allele origin: germline.

Mayo Clinic Laboratories, Mayo Clinic
Classification: Benign. Last evaluated: 2022-11-22. Review status: criteria provided, single submitter. Criteria: ACMG Guidelines, 2015. Collection method: clinical testing. Allele origin: germline. Observed: 3 variant alleles.
Comment: BS3, BS4, BP4

NIHR Bioresource Rare Diseases, University of Cambridge
Classification: Uncertain significance for Deep venous thrombosis. Last evaluated: 2019-02-01. Review status: criteria provided, single submitter. Criteria: ACMG Guidelines, 2015. Collection method: research. Allele origin: unknown. Affected: yes. Observed: 1 heterozygote. Study: ThromboGenomics.

CeGaT Center for Human Genetics Tuebingen
Classification: Uncertain significance. Last evaluated: 2018-10-01. Review status: criteria provided, single submitter. Criteria: CeGaT Center For Human Genetics Tuebingen Variant Classification Criteria Version 2. Collection method: clinical testing. Allele origin: germline. Affected: yes. Observed: 1 variant allele.

Illumina Laboratory Services, Illumina
Classification: Likely benign for Congenital afibrinogenemia. Last evaluated: 2017-04-27. Review status: criteria provided, single submitter. Criteria: ICSL Variant Classification Criteria 13 December 2019. Collection method: clinical testing. Allele origin: germline.
Comment: This variant was observed as part of a predisposition screen in an ostensibly healthy population. A literature search was performed for the gene, cDNA change, and amino acid change (where applicable). Publications were found based on this search. The evidence from the literature, in combination with allele frequency data from public databases where available, was sufficient to determine this variant is unlikely to cause disease. Therefore, this variant is classified as likely benign.

PreventionGenetics, part of Exact Sciences
Classification: Likely benign for FGB-related condition. Last evaluated: 2023-10-16. Review status: no assertion criteria provided. Collection method: clinical testing. Allele origin: germline. Not counted in ClinVar's aggregate classification.
Comment: This variant is classified as likely benign based on ACMG/AMP sequence variant interpretation guidelines (Richards et al. 2015 PMID: 25741868, with internal and published modifications).

Literature cited by the submitters: PubMed 31064749 (cited by NIHR Bioresource Rare Diseases, University of Cambridge); PubMed 15795540 (cited by Illumina Laboratory Services, Illumina); PubMed 12573244 (cited by Illumina Laboratory Services, Illumina).

NM_005141.5(FGB):c.534G>C (p.Lys178Asn)

Gene: FGB (fibrinogen beta chain; plus strand). Cytogenetic location: 4q31.3.
Variant type: single nucleotide variant.
Coding change: c.534G>C on transcript NM_005141.5 (MANE Select); coding-DNA position 534, G replaced by C.
Protein change: p.Lys178Asn; replaces lysine 178 with asparagine.
Molecular consequence: missense variant.
Genome position (GRCh38, 1-based): chr4:154,567,636, G>C. VCF-style: chr4-154567636-G-C. GRCh37 (hg19) VCF-style: chr4-155488788-G-C.
Other names: p.Lys178Asn; c.357G>C, p.Lys119Asn (NM_001184741.1); c.402G>C, p.Lys134Asn (NM_001382759.1); c.534G>C, p.Lys178Asn (NM_001382760.1, NM_001382761.1, NM_001382762.1 and 3 more transcripts); short protein forms K178N, K119N, K134N.
Identifiers: ClinVar variation 627330 (VCV000627330.54), dbSNP rs201909029, ClinGen allele CA3114561.